The following is an entry in ClinVar:

ClinVar aggregate classification (germline): Uncertain significance (1 of 4 stars; one submission).

Conditions:
Birt-Hogg-Dube syndrome. Also called: Birt Hogg Dubé syndrome. Identifiers: Orphanet 122, MedGen C0346010, MONDO:0800444.

Submission:

Labcorp Genetics (formerly Invitae), Labcorp
Classification: Uncertain significance for Birt-Hogg-Dube syndrome. Last evaluated: 2020-11-10. Review status: criteria provided, single submitter. Criteria: Invitae Variant Classification Sherloc (09022015). Collection method: clinical testing. Allele origin: germline.
Comment: This variant has not been reported in the literature in individuals with FLCN-related conditions. In summary, the available evidence is currently insufficient to determine the role of this variant in disease. Therefore, it has been classified as a Variant of Uncertain Significance. Algorithms developed to predict the effect of missense changes on protein structure and function (SIFT, PolyPhen-2, Align-GVGD) all suggest that this variant is likely to be tolerated, but these predictions have not been confirmed by published functional studies and their clinical significance is uncertain. This variant is not present in population databases (ExAC no frequency). This sequence change replaces proline with glutamine at codon 74 of the FLCN protein (p.Pro74Gln). The proline residue is moderately conserved and there is a moderate physicochemical difference between proline and glutamine.

NM_144997.7(FLCN):c.221C>A (p.Pro74Gln)

Gene: FLCN (folliculin; minus strand). Cytogenetic location: 17p11.2.
Variant type: single nucleotide variant.
Coding change: c.221C>A on transcript NM_144997.7 (MANE Select); coding-DNA position 221, C replaced by A.
Protein change: p.Pro74Gln; replaces proline 74 with glutamine.
Molecular consequence: missense variant.
Genome position (GRCh38, 1-based): chr17:17,227,917, G>T on the plus strand (C>A on the coding strand, the complement: FLCN is on the minus strand). VCF-style: chr17-17227917-G-T. GRCh37 (hg19) VCF-style: chr17-17131231-G-T.
Other names: c.221C>A, p.Pro74Gln (NM_001353229.2, NM_001353230.2, NM_001353231.2 and 1 more transcripts); short protein forms P74Q.
Identifiers: ClinVar variation 1345154 (VCV001345154.8), dbSNP rs773648142, ClinGen allele CA398535070.
Genomic context (GRCh38, chr17:17,227,917, plus strand): 5'-GATCACAAAACCAAGACCCCAAAGACACTTGCCTCGCACATGTCCGACTTTTTGGGCCCC[G>T]GGCTGCTGGACTCGACGCTGGCCCCCTCTGCGGGGCTGTGCGCACGCATCCGACTGTTCA-3'
Protein context (NP_659434.2, residues 64-84): AEGASVESSS[Pro74Gln]GPKKSDMCEG